The following is an entry in ClinVar:

ClinVar aggregate classification (germline): Pathogenic/Likely pathogenic. Review status: criteria provided, multiple submitters, no conflicts (2 of 4 stars). 3 submissions from 3 submitters: Pathogenic (2); Likely pathogenic (1). Last evaluated 2024-03-25.

Conditions:
Renal tubular acidosis with progressive nerve deafness. Also called: RENAL TUBULAR ACIDOSIS, AUTOSOMAL RECESSIVE, WITH PROGRESSIVE NERVE DEAFNESS; RTA WITH PROGRESSIVE NERVE DEAFNESS; renal tubular acidosis, distal, 2, with progressive sensorineural hearing loss; Distal Renal Tubular Acidosis with Progressive Sensorineural Deafness. Identifiers: MedGen C0403554, MONDO:0009968, OMIM 267300.

Submissions (3):

Fulgent Genetics
Classification: Likely pathogenic for Renal tubular acidosis with progressive nerve deafness. Last evaluated: 2024-03-25. Review status: criteria provided, single submitter. Criteria: ACMG Guidelines, 2015. Collection method: clinical testing. Allele origin: germline.

Labcorp Genetics (formerly Invitae), Labcorp
Classification: Pathogenic. Last evaluated: 2023-09-21. Review status: criteria provided, single submitter. Criteria: Invitae Variant Classification Sherloc (09022015). Collection method: clinical testing. Allele origin: germline.
Comment: For these reasons, this variant has been classified as Pathogenic. ClinVar contains an entry for this variant (Variation ID: 1806126). This variant has not been reported in the literature in individuals affected with ATP6V1B1-related conditions. This variant is not present in population databases (gnomAD no frequency). This sequence change creates a premature translational stop signal (p.Thr115Cysfs*47) in the ATP6V1B1 gene. It is expected to result in an absent or disrupted protein product. Loss-of-function variants in ATP6V1B1 are known to be pathogenic (PMID: 9916796, 18368028).

Victorian Clinical Genetics Services, Murdoch Childrens Research Institute
Classification: Pathogenic for Renal tubular acidosis with progressive nerve deafness. Last evaluated: 2020-10-19. Review status: criteria provided, single submitter. Criteria: ACMG Guidelines, 2015. Collection method: clinical testing. Allele origin: germline. Inheritance: Autosomal recessive inheritance.
Comment: Based on the classification scheme VCGS_Germline_v1.3.3, this variant is classified as 5-Pathogenic. Following criteria are met: 0102 - Loss of function is a known mechanism of disease in this gene and is associated with renal tubular acidosis with deafness (MIM#267300). (I) 0106 - This gene is associated with autosomal recessive disease. (I) 0201 - Variant is predicted to cause nonsense-mediated decay (NMD) and loss of protein (premature termination codon is located at least 54 nucleotides upstream of the final exon-exon junction). (SP) 0251 - This variant is heterozygous. (I) 0301 - Variant is absent from gnomAD (both v2 and v3). (SP) 0702 - Other NMD-predicted variants comparable to the one identified in this case have strong previous evidence for pathogenicity. There are at least 4 NMD-predicted variants reported pathogenic in the ATP6V1B1 gene (Decipher). (SP) 0807 - This variant has no previous evidence of pathogenicity. (I) 0905 - No published segregation evidence has been identified for this variant. (I) 1007 - No published functional evidence has been identified for this variant. (I) 1208 - Inheritance information for this variant is not currently available in this individual. (I) Legend: (SP) - Supporting pathogenic, (I) - Information, (SB) - Supporting benign

Literature cited by the submitters: PubMed 9916796 (cited by Labcorp Genetics (formerly Invitae), Labcorp); PubMed 18368028 (cited by Labcorp Genetics (formerly Invitae), Labcorp).

NM_001692.4(ATP6V1B1):c.343_349del (p.Thr115fs)

Gene: ATP6V1B1 (ATPase H+ transporting V1 subunit B1; plus strand). Cytogenetic location: 2p13.3.
Variant type: Deletion.
Coding change: c.343_349del on transcript NM_001692.4 (MANE Select); coding-DNA positions 343 to 349, 7 bases deleted (ACTCCGG; older notation c.343_349delACTCCGG).
Protein change: p.Thr115fs; shifts the reading frame from threonine 115.
Molecular consequence: frameshift variant.
Genome position (GRCh38, 1-based): chr2:70,958,402-70,958,408, ACTCCGG deleted. VCF-style (leftmost placement, unchanged base first): chr2-70958401-AACTCCGG-A. GRCh37 (hg19) VCF-style: chr2-71185531-AACTCCGG-A.
Other names: short protein forms T115fs.
Identifiers: ClinVar variation 1806126 (VCV001806126.5), dbSNP rs2466285143, ClinGen allele CA1139532838.